The following is an entry in ClinVar:

NM_004168.4(SDHA):c.1252A>G (p.Lys418Glu)

Gene: SDHA (succinate dehydrogenase complex flavoprotein subunit A; plus strand). Cytogenetic location: 5p15.33.
Variant type: single nucleotide variant.
Coding change: c.1252A>G on transcript NM_004168.4 (MANE Select); coding-DNA position 1252, A replaced by G.
Protein change: p.Lys418Glu; replaces lysine 418 with glutamic acid.
Molecular consequence: missense variant.
Genome position (GRCh38, 1-based): chr5:235,331, A>G. VCF-style: chr5-235331-A-G. GRCh37 (hg19) VCF-style: chr5-235446-A-G.
Other names: c.1108A>G, p.Lys370Glu (NM_001294332.2); c.1252A>G, p.Lys418Glu (NM_001330758.2); short protein forms K370E, K418E.
Identifiers: ClinVar variation 1719638 (VCV001719638.9), dbSNP rs1378783078, ClinGen allele CA359013765.

ClinVar aggregate classification (germline): Uncertain significance. Review status: criteria provided, multiple submitters, no conflicts (2 of 4 stars). 3 submissions from 3 submitters: Uncertain significance (3). Last evaluated 2023-08-21.

Conditions:
Mitochondrial complex II deficiency, nuclear type 1. Also called: SUCCINATE CoQ REDUCTASE DEFICIENCY. Identifiers: Orphanet 3208, MedGen C5700310, MONDO:0100294, OMIM 252011.
Pheochromocytoma/paraganglioma syndrome 5. Also called: Paragangliomas 5; SDHA-Related Hereditary Paraganglioma-Pheochromocytoma Syndrome. Identifiers: Orphanet 29072, MedGen C3279992, MONDO:0013602, OMIM 614165.
Hereditary cancer-predisposing syndrome. Also called: Hereditary Cancer Syndrome; Hereditary neoplastic syndrome; Neoplastic Syndromes, Hereditary; Tumor predisposition. Identifiers: Orphanet 140162, MedGen C0027672, MeSH D009386, MONDO:0015356.
Dilated cardiomyopathy 1GG (CMD1GG). Identifiers: Orphanet 154, MedGen C3150898, MONDO:0013339, OMIM 613642.

Submissions (3):

Baylor Genetics
Classification: Uncertain significance for Dilated cardiomyopathy 1GG. Last evaluated: 2023-08-21. Review status: criteria provided, single submitter. Criteria: ACMG Guidelines, 2015. Collection method: clinical testing. Allele origin: unknown.

Labcorp Genetics (formerly Invitae), Labcorp
Classification: Uncertain significance for Pheochromocytoma/paraganglioma syndrome 5; Mitochondrial complex II deficiency, nuclear type 1. Last evaluated: 2022-09-19. Review status: criteria provided, single submitter. Criteria: Invitae Variant Classification Sherloc (09022015). Collection method: clinical testing. Allele origin: germline.
Comment: This sequence change replaces lysine, which is basic and polar, with glutamic acid, which is acidic and polar, at codon 418 of the SDHA protein (p.Lys418Glu). In summary, the available evidence is currently insufficient to determine the role of this variant in disease. Therefore, it has been classified as a Variant of Uncertain Significance. Advanced modeling of protein sequence and biophysical properties (such as structural, functional, and spatial information, amino acid conservation, physicochemical variation, residue mobility, and thermodynamic stability) performed at Invitae indicates that this missense variant is not expected to disrupt SDHA protein function. This variant has not been reported in the literature in individuals affected with SDHA-related conditions. This variant is not present in population databases (gnomAD no frequency).

Ambry Genetics
Classification: Uncertain significance for Hereditary cancer-predisposing syndrome. Last evaluated: 2021-02-24. Review status: criteria provided, single submitter. Criteria: Ambry Variant Classification Scheme 2023. Collection method: clinical testing. Allele origin: germline.
Comment: The p.K418E variant (also known as c.1252A>G), located in coding exon 9 of the SDHA gene, results from an A to G substitution at nucleotide position 1252. The lysine at codon 418 is replaced by glutamic acid, an amino acid with similar properties. This amino acid position is not well conserved in available vertebrate species. In addition, this alteration is predicted to be tolerated by in silico analysis. Since supporting evidence is limited at this time, the clinical significance of this alteration remains unclear.